The following is an entry in ClinVar:

ClinVar aggregate classification (germline): Uncertain significance. Review status: criteria provided, multiple submitters, no conflicts (2 of 4 stars). 2 submissions from 2 submitters: Uncertain significance (2). Last evaluated 2025-08-14.

Conditions:
Atrial fibrillation, familial, 7 (ATFB7). Identifiers: MedGen C2677106, MONDO:0012828, OMIM 612240.
Inborn genetic diseases. Identifiers: MedGen C0950123, MeSH D030342.

Allele frequency attached by ClinVar (database versions not stated): gnomAD 0.00002.

Submissions (2):

Ambry Genetics
Classification: Uncertain significance for Inborn genetic diseases. Last evaluated: 2025-08-14. Review status: criteria provided, single submitter. Criteria: Ambry Variant Classification Scheme 2023. Collection method: clinical testing. Allele origin: germline.

Labcorp Genetics (formerly Invitae), Labcorp
Classification: Uncertain significance for Atrial fibrillation, familial, 7. Last evaluated: 2023-05-01. Review status: criteria provided, single submitter. Criteria: Invitae Variant Classification Sherloc (09022015). Collection method: clinical testing. Allele origin: germline.
Comment: This sequence change replaces proline, which is neutral and non-polar, with serine, which is neutral and polar, at codon 294 of the KCNA5 protein (p.Pro294Ser). This variant is not present in population databases (gnomAD no frequency). This variant has not been reported in the literature in individuals affected with KCNA5-related conditions. Algorithms developed to predict the effect of missense changes on protein structure and function output the following: SIFT: "Not Available"; PolyPhen-2: "Benign"; Align-GVGD: "Not Available". The serine amino acid residue is found in multiple mammalian species, which suggests that this missense change does not adversely affect protein function. In summary, the available evidence is currently insufficient to determine the role of this variant in disease. Therefore, it has been classified as a Variant of Uncertain Significance.

NM_002234.4(KCNA5):c.880C>T (p.Pro294Ser)

Gene: KCNA5 (potassium voltage-gated channel subfamily A member 5; plus strand). Cytogenetic location: 12p13.32.
Variant type: single nucleotide variant.
Coding change: c.880C>T on transcript NM_002234.4 (MANE Select); coding-DNA position 880, C replaced by T.
Protein change: p.Pro294Ser; replaces proline 294 with serine.
Molecular consequence: missense variant.
Genome position (GRCh38, 1-based): chr12:5,045,027, C>T. VCF-style: chr12-5045027-C-T. GRCh37 (hg19) VCF-style: chr12-5154193-C-T.
Other names: c.880C>T (NM_002234.2); short protein forms P294S.
Identifiers: ClinVar variation 3016731 (VCV003016731.4), dbSNP rs1565465605, ClinGen allele CA383465342.